The following is an entry in ClinVar:

ClinVar aggregate classification (germline): Uncertain significance. Review status: criteria provided, multiple submitters, no conflicts (2 of 4 stars). 3 submissions from 3 submitters: Uncertain significance (2). 1 of the submissions does not count toward it. Last evaluated 2022-12-05.

Conditions:
beta Thalassemia (BTHAL). Also called: Cooley's anemia; Erythroblastic anemia; Mediterranean anemia. Identifiers: Orphanet 848, MedGen C0005283, MONDO:0019402. Disease mechanism: loss of function.

Allele frequency attached by ClinVar (database versions not stated): ExAC 0.00003.
gnomAD v4.1: 8 of 1,559,692 alleles (0.00051%); highest among the groups gnomAD compares: South Asian, 0.0089%; no homozygotes.

Submissions (3):

Quest Diagnostics Nichols Institute San Juan Capistrano
Classification: Uncertain significance. Last evaluated: 2022-12-05. Review status: criteria provided, single submitter. Criteria: Quest Diagnostics criteria. Collection method: clinical testing. Allele origin: unknown.
Comment: The HBB c.-10A>G variant has not been reported in the published literature. The frequency of this variant in the general population is uninformative in assessment of its pathogenicity. Based on the available information, we are unable to determine the clinical significance of this variant.

Women's Health and Genetics/Laboratory Corporation of America, LabCorp
Classification: Uncertain significance. Last evaluated: 2020-03-31. Review status: criteria provided, single submitter. Criteria: LabCorp Variant Classification Summary - May 2015. Collection method: clinical testing. Allele origin: germline.
Comment: Variant summary: HBB c.-10A>G is located in the untranslated mRNA region upstream of the initiation codon. 4/4 computational tools predict no significant impact on normal splicing. However, these predictions have yet to be confirmed by functional studies. The variant allele was found at a frequency of 2e-05 in 251052 control chromosomes (gnomAD). The available data on variant occurrences in the general population are insufficient to allow any conclusion about variant significance. To our knowledge, no occurrence of c.-10A>G in individuals affected with Beta Thalassemia and no experimental evidence demonstrating its impact on protein function have been reported. One ClinVar submitter (evaluation after 2014) cites the variant as uncertain significance. Based on the evidence outlined above, the variant was classified as uncertain significance.

Natera, Inc.
Classification: Uncertain significance for Beta thalassemia. Last evaluated: 2020-05-18. Review status: no assertion criteria provided. Collection method: clinical testing. Allele origin: germline. Not counted in ClinVar's aggregate classification.

NM_000518.5(HBB):c.-10A>G

Genes: HBB (hemoglobin subunit beta; minus strand), LOC106099062 (HBB recombination region; plus strand), LOC107133510 (origin of replication at HBB; plus strand). Cytogenetic location: 11p15.4.
Variant type: single nucleotide variant.
Coding change: c.-10A>G on transcript NM_000518.5 (MANE Select); 10 bases upstream of the start codon, A replaced by G.
Molecular consequence: 5 prime UTR variant.
Genome position (GRCh38, 1-based): chr11:5,227,031, T>C on the plus strand (A>G on the coding strand, the complement: HBB is on the minus strand). VCF-style: chr11-5227031-T-C. GRCh37 (hg19) VCF-style: chr11-5248261-T-C.
Identifiers: ClinVar variation 619852 (VCV000619852.6), dbSNP rs747545656, ClinGen allele CA5839823.